The following is an entry in ClinVar:

ClinVar aggregate classification (germline): Uncertain significance (1 of 4 stars; one submission).

Conditions:
Hypertrophic cardiomyopathy 10. Also called: CARDIOMYOPATHY, HYPERTROPHIC, MID-LEFT VENTRICULAR CHAMBER TYPE, 2; MYL2-Related Familial Hypertrophic Cardiomyopathy. Identifiers: MedGen C1834460, MONDO:0012112, OMIM 608758.

Submission:

Labcorp Genetics (formerly Invitae), Labcorp
Classification: Uncertain significance for Hypertrophic cardiomyopathy 10. Last evaluated: 2022-06-22. Review status: criteria provided, single submitter. Criteria: Invitae Variant Classification Sherloc (09022015). Collection method: clinical testing. Allele origin: germline.
Comment: This variant has not been reported in the literature in individuals affected with MYL2-related conditions. In summary, the available evidence is currently insufficient to determine the role of this variant in disease. Therefore, it has been classified as a Variant of Uncertain Significance. A gross deletion of the genomic region encompassing the full coding sequence of the MYL2 gene has been identified. The current clinical and genetic evidence is not sufficient to establish whether loss-of-function variants in MYL2 cause disease. The boundaries of this event are unknown as they extend beyond the assayed region for this gene and therefore may encompass additional genes.

NC_000012.11:g.(?_111348881)_(111358333_?)del

Gene: MYL2 (myosin light chain 2; minus strand). Cytogenetic location: 12q24.11.
Variant type: Deletion.
Identifiers: ClinVar variation 2423081 (VCV002423081.5).